The following is an entry in ClinVar:

NM_006766.5(KAT6A):c.3855G>T (p.Gln1285His)

Gene: KAT6A (lysine acetyltransferase 6A; minus strand). Cytogenetic location: 8p11.21.
Variant type: single nucleotide variant.
Coding change: c.3855G>T on transcript NM_006766.5 (MANE Select); coding-DNA position 3855, G replaced by T.
Protein change: p.Gln1285His; replaces glutamine 1285 with histidine.
Molecular consequence: missense variant.
Genome position (GRCh38, 1-based): chr8:41,934,365, C>A on the plus strand (G>T on the coding strand, the complement: KAT6A is on the minus strand). VCF-style: chr8-41934365-C-A. GRCh37 (hg19) VCF-style: chr8-41791883-C-A.
Other names: c.3855G>T (NM_006766.4); short protein forms Q1285H.
Identifiers: ClinVar variation 588899 (VCV000588899.17), dbSNP rs112277492, ClinGen allele CA4729592.

ClinVar aggregate classification (germline): Likely benign. Review status: criteria provided, multiple submitters, no conflicts (2 of 4 stars). 4 submissions from 4 submitters: Likely benign (3). 1 of the submissions does not count toward it. Last evaluated 2025-12-06.

Conditions:
Inborn genetic diseases. Identifiers: MedGen C0950123, MeSH D030342.
KAT6A-related disorder. Also called: KAT6A-related condition.

Allele frequency attached by ClinVar (database versions not stated): ExAC 0.00008; ESP Exome Variant Server 0.00015; 1000 Genomes Project 30x 0.00016; gnomAD 0.00019; 1000 Genomes Project 0.00020; TOPMed 0.00044.

Submissions (4):

Labcorp Genetics (formerly Invitae), Labcorp
Classification: Likely benign. Last evaluated: 2025-12-06. Review status: criteria provided, single submitter. Criteria: Invitae Variant Classification Sherloc (09022015). Collection method: clinical testing. Allele origin: germline.

Ambry Genetics
Classification: Likely benign for Inborn genetic diseases. Last evaluated: 2021-11-08. Review status: criteria provided, single submitter. Criteria: Ambry Variant Classification Scheme 2023. Collection method: clinical testing. Allele origin: germline.

GeneDx
Classification: Likely benign. Last evaluated: 2021-02-07. Review status: criteria provided, single submitter. Criteria: GeneDx Variant Classification Process June 2021. Collection method: clinical testing. Allele origin: germline. Affected: yes.

PreventionGenetics, part of Exact Sciences
Classification: Likely benign for KAT6A-related condition. Last evaluated: 2022-07-06. Review status: no assertion criteria provided. Collection method: clinical testing. Allele origin: germline. Not counted in ClinVar's aggregate classification.
Comment: This variant is classified as likely benign based on ACMG/AMP sequence variant interpretation guidelines (Richards et al. 2015 PMID: 25741868, with internal and published modifications).